The following is an entry in ClinVar:

NM_001083961.2(WDR62):c.643A>C (p.Thr215Pro)

Gene: WDR62 (WD repeat domain 62; plus strand). Cytogenetic location: 19q13.12.
Variant type: single nucleotide variant.
Coding change: c.643A>C on transcript NM_001083961.2 (MANE Select); coding-DNA position 643, A replaced by C.
Protein change: p.Thr215Pro; replaces threonine 215 with proline.
Molecular consequence: missense variant.
Genome position (GRCh38, 1-based): chr19:36,067,387, A>C. VCF-style: chr19-36067387-A-C. GRCh37 (hg19) VCF-style: chr19-36558289-A-C.
Other names: c.643A>C, p.Thr215Pro (NM_001411145.1, NM_001411146.1, NM_001411147.1 and 1 more transcripts); short protein forms T215P.
Identifiers: ClinVar variation 4686663 (VCV004686663.1).

ClinVar aggregate classification (germline): Likely pathogenic (1 of 4 stars; one submission).

Conditions:
Microcephaly 2, primary, autosomal recessive, with or without cortical malformations. Also called: MICROCEPHALY 2, PRIMARY, AUTOSOMAL RECESSIVE, WITH CORTICAL MALFORMATIONS; WDR62 Primary Microcephaly. Identifiers: Orphanet 2512, MedGen C1858535, MONDO:0011435, OMIM 604317.

Submission:

Department of Obstetrics, The Second Affiliated Hospital of Guangzhou Medical University
Classification: Likely pathogenic for Microcephaly 2, primary, autosomal recessive, with or without cortical malformations. Last evaluated: 2023-04-25. Review status: criteria provided, single submitter. Criteria: ACMG Guidelines, 2015. Collection method: clinical testing. Allele origin: maternal. Inheritance: Autosomal recessive inheritance. Affected: yes. Observed: 1 variant allele, 1 compound heterozygote.
Comment: The c.643A>C variant in exon 6 of the WDR62 gene is predicted to cause a missense variant (p.Thr215Pro). It does not exist in various databases (dbSNP, 1000 Genomes, and Exome Variant Server). In addition, it has been predicted to be deleterious by several in silico analysis tools [SIFT damaging (0.001), PolyPhen-2 deleterious (1), variantTaster (1), and REVEL (0.767)] that are damaging or probably damaging by more than one commonly used in silico prediction tool. p.Thr215Pro is located at residues highly conserved across various species, and the molecular effects were further analyzed via protein modeling and stability prediction. With ΔΔG values less than -0.5 kcal/mol, the protein was predicted to have hydrogen bond interactions with surrounding residues, which significantly decreased protein stability. Therefore, c.643A>C (p.Thr215Pro) was classified as “LP” on the basis of ACMG/AMP criteria: PM2_Supporting, PP1_Supporting, PP3 and PM3.

Literature cited by the submitters: PMC 34077496.